The following is an entry in ClinVar:

NM_001379180.1(ESRRB):c.923dup (p.Ile309fs)

Gene: ESRRB (estrogen related receptor beta; plus strand). Cytogenetic location: 14q24.3.
Variant type: Duplication.
Coding change: c.923dup on transcript NM_001379180.1 (MANE Select); coding-DNA position 923, one base duplicated (G; older notation c.923dupG).
Protein change: p.Ile309fs; shifts the reading frame from isoleucine 309.
Molecular consequence: frameshift variant.
Genome position (GRCh38, 1-based): chr14:76,491,519, G duplicated; the last of 3 consecutive G bases (chr14:76,491,517-76,491,519); duplicating any one gives the same sequence. VCF-style (leftmost placement, unchanged base first): chr14-76491516-T-TG. GRCh37 (hg19) VCF-style: chr14-76957859-T-TG.
Other names: c.875dup, p.Ile293fs (NM_001411038.1); c.860dup, p.Ile288fs (NM_004452.4); short protein forms I288fs, I293fs, I309fs.
Identifiers: ClinVar variation 2570886 (VCV002570886.30), dbSNP rs2503951525, ClinGen allele CA2580613731.

ClinVar aggregate classification (germline): Pathogenic/Likely pathogenic. Review status: criteria provided, multiple submitters, no conflicts (2 of 4 stars). 2 submissions from 2 submitters: Pathogenic (1); Likely pathogenic (1). Last evaluated 2024-01-16.

Submissions (2):

Labcorp Genetics (formerly Invitae), Labcorp
Classification: Pathogenic. Last evaluated: 2024-01-16. Review status: criteria provided, single submitter. Criteria: Invitae Variant Classification Sherloc (09022015). Collection method: clinical testing. Allele origin: germline.
Comment: This sequence change creates a premature translational stop signal (p.Ile288Hisfs*9) in the ESRRB gene. It is expected to result in an absent or disrupted protein product. Loss-of-function variants in ESRRB are known to be pathogenic (PMID: 18179891). This variant is not present in population databases (gnomAD no frequency). This variant has not been reported in the literature in individuals affected with ESRRB-related conditions. ClinVar contains an entry for this variant (Variation ID: 2570886). For these reasons, this variant has been classified as Pathogenic.

CeGaT Center for Human Genetics Tuebingen
Classification: Likely pathogenic. Last evaluated: 2023-05-01. Review status: criteria provided, single submitter. Criteria: CeGaT Center For Human Genetics Tuebingen Variant Classification Criteria Version 2. Collection method: clinical testing. Allele origin: germline. Affected: yes. Observed: 1 variant allele.
Comment: ESRRB: PVS1:Strong, PM2

Literature cited by the submitters: PubMed 18179891 (cited by Labcorp Genetics (formerly Invitae), Labcorp).